The following is an entry in ClinVar:

ClinVar aggregate classification (germline): Uncertain significance (1 of 4 stars; one submission).

Conditions:
Inborn genetic diseases. Identifiers: MedGen C0950123, MeSH D030342.

Submission:

Ambry Genetics
Classification: Uncertain significance for Inborn genetic diseases. Last evaluated: 2024-04-28. Review status: criteria provided, single submitter. Criteria: Ambry Variant Classification Scheme 2023. Collection method: clinical testing. Allele origin: germline.
Comment: The p.S516G variant (also known as c.1546A>G), located in coding exon 11 of the EPAS1 gene, results from an A to G substitution at nucleotide position 1546. The serine at codon 516 is replaced by glycine, an amino acid with similar properties. This amino acid position is conserved. In addition, this alteration is predicted to be tolerated by in silico analysis. Based on the available evidence, the clinical significance of this variant remains unclear.

NM_001430.5(EPAS1):c.1546A>G (p.Ser516Gly)

Gene: EPAS1 (endothelial PAS domain protein 1; plus strand). Cytogenetic location: 2p21.
Variant type: single nucleotide variant.
Coding change: c.1546A>G on transcript NM_001430.5 (MANE Select); coding-DNA position 1546, A replaced by G.
Protein change: p.Ser516Gly; replaces serine 516 with glycine.
Molecular consequence: missense variant.
Genome position (GRCh38, 1-based): chr2:46,378,759, A>G. VCF-style: chr2-46378759-A-G. GRCh37 (hg19) VCF-style: chr2-46605898-A-G.
Other names: short protein forms S516G.
Identifiers: ClinVar variation 3275710 (VCV003275710.1).
Genomic context (GRCh38, chr2:46,378,759, plus strand): 5'-CTGAAGATTGAAGTGATTGAGAAGCTCTTCGCCATGGACACAGAGGCCAAGGACCAATGC[A>G]GTACCCAGGTAGATGGCTGTGGAGATCAGGCTAGGGTGTGTGCCTGCTGTCTGGTGGACA-3'
Protein context (NP_001421.2, residues 506-526): AMDTEAKDQC[Ser516Gly]TQTDFNELDL